The following is an entry in ClinVar:

ClinVar aggregate classification (germline): Conflicting classifications of pathogenicity. Review status: criteria provided, conflicting classifications (1 of 4 stars). 2 submissions from 2 submitters: Uncertain significance (1); Likely benign (1). Last evaluated 2025-05-09.

Conditions:
Hereditary cancer-predisposing syndrome. Also called: Neoplastic Syndromes, Hereditary; Tumor predisposition; Hereditary neoplastic syndrome; Hereditary Cancer Syndrome. Identifiers: Orphanet 140162, MedGen C0027672, MeSH D009386, MONDO:0015356.
Rhabdoid tumor predisposition syndrome 2 (RTPS2). Identifiers: Orphanet 231108, Orphanet 69077, MedGen C2750074, MONDO:0013224, OMIM 613325.

Submissions (2):

Ambry Genetics
Classification: Likely benign for Hereditary cancer-predisposing syndrome. Last evaluated: 2025-05-09. Review status: criteria provided, single submitter. Criteria: Ambry Variant Classification Scheme 2023. Collection method: clinical testing. Allele origin: germline.

Labcorp Genetics (formerly Invitae), Labcorp
Classification: Uncertain significance for Rhabdoid tumor predisposition syndrome 2. Last evaluated: 2021-07-01. Review status: criteria provided, single submitter. Criteria: Invitae Variant Classification Sherloc (09022015). Collection method: clinical testing. Allele origin: germline.
Comment: In summary, the available evidence is currently insufficient to determine the role of this variant in disease. Therefore, it has been classified as a Variant of Uncertain Significance. This sequence change replaces leucine with valine at codon 1490 of the SMARCA4 protein (p.Leu1490Val). The leucine residue is highly conserved and there is a small physicochemical difference between leucine and valine. This variant is not present in population databases (ExAC no frequency). This variant has not been reported in the literature in individuals affected with SMARCA4-related conditions. ClinVar contains an entry for this variant (Variation ID: 824910). Algorithms developed to predict the effect of missense changes on protein structure and function are either unavailable or do not agree on the potential impact of this missense change (SIFT: "Deleterious"; PolyPhen-2: "Benign"; Align-GVGD: "Class C25").

NM_003072.5(SMARCA4):c.4372C>G (p.Leu1458Val)

Gene: SMARCA4 (SWI/SNF related BAF chromatin remodeling complex subunit ATPase 4; plus strand). Cytogenetic location: 19p13.2.
Variant type: single nucleotide variant.
Coding change: c.4372C>G on transcript NM_003072.5 (MANE Select); coding-DNA position 4372, C replaced by G.
Protein change: p.Leu1458Val; replaces leucine 1458 with valine.
Molecular consequence: missense variant. On other transcripts: non-coding transcript variant (1).
Genome position (GRCh38, 1-based): chr19:11,041,508, C>G. VCF-style: chr19-11041508-C-G. GRCh37 (hg19) VCF-style: chr19-11152184-C-G.
Other names: c.4372C>G, p.Leu1458Val (NM_001128844.3); c.4282C>G, p.Leu1428Val (NM_001128845.2, NM_001128846.2); c.4273C>G, p.Leu1425Val (NM_001128847.4, NM_001128848.2, NM_001374457.1); c.4468C>G, p.Leu1490Val (NM_001128849.3); short protein forms L1425V, L1428V, L1490V, L1458V.
Identifiers: ClinVar variation 824910 (VCV000824910.13), dbSNP rs1600469027, ClinGen allele CA404074034.
Genomic context (GRCh38, chr19:11,041,508, plus strand): 5'-AAGAAGCAGAAGAAGCGCGGGCGGCCGCCTGCCGAGAAACTCTCCCCTAACCCACCCAAC[C>G]TCACCAAGAAGATGAAGAAGATTGTGGATGCCGTGATCAAGTACAAGGACAGGTAAGCGA-3'
Protein context (NP_003063.2, residues 1448-1468): AEKLSPNPPN[Leu1458Val]TKKMKKIVDA